The following is an entry in ClinVar:

NM_001035.3(RYR2):c.3066+5A>G

Gene: RYR2 (ryanodine receptor 2; plus strand). Cytogenetic location: 1q43.
Variant type: single nucleotide variant.
Coding change: c.3066+5A>G on transcript NM_001035.3 (MANE Select); 5 bases into the intron after coding-DNA position 3066, A replaced by G.
Molecular consequence: intron variant.
Genome position (GRCh38, 1-based): chr1:237,548,595, A>G. VCF-style: chr1-237548595-A-G. GRCh37 (hg19) VCF-style: chr1-237711895-A-G.
Other names: c.3066+5A>G (LRG_402t1).
Identifiers: ClinVar variation 649598 (VCV000649598.13), dbSNP rs1346060761, ClinGen allele CA529543128.

ClinVar aggregate classification (germline): Conflicting classifications of pathogenicity. Review status: criteria provided, conflicting classifications (1 of 4 stars). 4 submissions from 4 submitters: Uncertain significance (3); Likely benign (1). Last evaluated 2025-12-23.

Conditions:
Cardiovascular phenotype. Identifiers: MedGen CN230736.
Catecholaminergic polymorphic ventricular tachycardia (CVPT). Also called: Catecholamine-induced polymorphic ventricular tachycardia. Identifiers: Orphanet 3286, MedGen C5574922, MONDO:0017990.
Cardiomyopathy (CMYO). Also called: Cardiomyopathies. Identifiers: Orphanet 167848, MedGen C0878544, MONDO:0004994, HP:0001638. Inheritance: Various modes of inheritance.
Catecholaminergic polymorphic ventricular tachycardia 1. Also called: RYR2-Related Catecholaminergic Polymorphic Ventricular Tachycardia; VENTRICULAR TACHYCARDIA, STRESS-INDUCED POLYMORPHIC 1; VENTRICULAR TACHYCARDIA, CATECHOLAMINERGIC POLYMORPHIC, 1, WITH OR WITHOUT ATRIAL DYSFUNCTION AND/OR DILATED CARDIOMYOPATHY. Identifiers: Orphanet 3286, MedGen C1631597, MONDO:0011484, OMIM 604772.

Allele frequency attached by ClinVar (database versions not stated): gnomAD exomes below 0.00001 and 0.00001.
gnomAD v4.1: 15 of 1,613,302 alleles (0.00093%); highest among the groups gnomAD compares: Non-Finnish European, 0.0012%; no homozygotes.

Submissions (4):

Labcorp Genetics (formerly Invitae), Labcorp
Classification: Uncertain significance for Catecholaminergic polymorphic ventricular tachycardia 1. Last evaluated: 2025-12-23. Review status: criteria provided, single submitter. Criteria: Invitae Variant Classification Sherloc (09022015). Collection method: clinical testing. Allele origin: germline.
Comment: This sequence change falls in intron 26 of the RYR2 gene. It does not directly change the encoded amino acid sequence of the RYR2 protein. It affects a nucleotide within the consensus splice site. This variant is present in population databases (no rsID available, gnomAD 0.003%). This variant has not been reported in the literature in individuals affected with RYR2-related conditions. ClinVar contains an entry for this variant (Variation ID: 649598). Variants that disrupt the consensus splice site are a relatively common cause of aberrant splicing (PMID: 17576681, 9536098). Algorithms developed to predict the effect of sequence changes on RNA splicing suggest that this variant is not likely to affect RNA splicing. In summary, the available evidence is currently insufficient to determine the role of this variant in disease. Therefore, it has been classified as a Variant of Uncertain Significance.

Ambry Genetics
Classification: Uncertain significance for Cardiovascular phenotype. Last evaluated: 2023-12-12. Review status: criteria provided, single submitter. Criteria: Ambry Variant Classification Scheme 2023. Collection method: clinical testing. Allele origin: germline.
Comment: The c.3066+5A>G intronic variant results from an A to G substitution 5 nucleotides after coding exon 26 in the RYR2 gene. This nucleotide position is poorly conserved in available vertebrate species. In silico splice site analysis predicts that this alteration will not have any significant effect on splicing. Since supporting evidence is limited at this time, the clinical significance of this alteration remains unclear.

All of Us Research Program, National Institutes of Health
Classification: Uncertain significance for Catecholaminergic polymorphic ventricular tachycardia. Last evaluated: 2023-10-27. Review status: criteria provided, single submitter. Criteria: ACMG Guidelines, 2015. Collection method: clinical testing. Allele origin: germline. Inheritance: Autosomal dominant inheritance. Observed: 1 variant allele, 1 heterozygote.
Comment: This study involves interpretation of variants in research participants for the purpose of population health screening. Participant phenotype was not available at the time of variant classification. Additional details can be found in publication PMID: 35346344, PMCID: PMC8962531

Color Diagnostics, LLC DBA Color Health
Classification: Likely benign for Cardiomyopathy. Last evaluated: 2018-12-03. Review status: criteria provided, single submitter. Criteria: ACMG Guidelines, 2015. Collection method: clinical testing. Allele origin: germline.

Literature cited by the submitters: PubMed 17576681 (cited by Labcorp Genetics (formerly Invitae), Labcorp); PubMed 9536098 (cited by Labcorp Genetics (formerly Invitae), Labcorp).